The following is an entry in ClinVar:

NM_021971.4(GMPPB):c.684dup (p.Met229fs)

Gene: GMPPB (GDP-mannose pyrophosphorylase B; minus strand). Cytogenetic location: 3p21.31.
Variant type: Duplication.
Coding change: c.684dup on transcript NM_021971.4 (MANE Select); coding-DNA position 684, one base duplicated (C; older notation c.684dupC).
Protein change: p.Met229fs; shifts the reading frame from methionine 229.
Molecular consequence: frameshift variant.
Genome position (GRCh38, 1-based): chr3:49,722,315, G duplicated on the plus strand (C on the coding strand, the reverse complement: GMPPB is on the minus strand). VCF-style (leftmost placement, unchanged base first): chr3-49722314-T-TG. GRCh37 (hg19) VCF-style: chr3-49759747-T-TG.
Other names: c.684dupC (NM_013334.3); c.684dup, p.Met229fs (NM_013334.4); short protein forms M229fs.
Identifiers: ClinVar variation 931364 (VCV000931364.3), dbSNP rs2080427976, ClinGen allele CA1139658089.

ClinVar aggregate classification (germline): Likely pathogenic (1 of 4 stars; one submission).

Conditions:
Autosomal recessive limb-girdle muscular dystrophy type 2T. Also called: MUSCULAR DYSTROPHY-DYSTROGLYCANOPATHY, LIMB-GIRDLE, GMPPB-RELATED; Limb-girdle muscular dystrophy-dystroglycanopathy, type C14; MUSCULAR DYSTROPHY, LIMB-GIRDLE, TYPE 2T; Muscular dystrophy-dystroglycanopathy (limb-girdle), type c, 14. Identifiers: Orphanet 363623, MedGen C4518000, MONDO:0014142, OMIM 615352.

Submission:

Centre for Mendelian Genomics, University Medical Centre Ljubljana
Classification: Likely pathogenic for Autosomal recessive limb-girdle muscular dystrophy type 2T. Last evaluated: 2018-12-04. Review status: criteria provided, single submitter. Criteria: ACMG Guidelines, 2015. Collection method: clinical testing. Allele origin: unknown. Affected: yes.
Comment: This variant was classified as: Likely pathogenic. The following ACMG criteria were applied in classifying this variant: PVS1,PM2.